The following is an entry in ClinVar:

NM_006421.5(ARFGEF1):c.3220C>T (p.Arg1074Ter)

Gene: ARFGEF1 (ARF guanine nucleotide exchange factor 1; minus strand). Cytogenetic location: 8q13.2.
Variant type: single nucleotide variant.
Coding change: c.3220C>T on transcript NM_006421.5 (MANE Select); coding-DNA position 3220, C replaced by T.
Protein change: p.Arg1074Ter; replaces arginine 1074 with a stop codon.
Molecular consequence: nonsense. On other transcripts: non-coding transcript variant (1).
Genome position (GRCh38, 1-based): chr8:67,238,412, G>A on the plus strand (C>T on the coding strand, the complement: ARFGEF1 is on the minus strand). VCF-style: chr8-67238412-G-A. GRCh37 (hg19) VCF-style: chr8-68150647-G-A.
Other names: c.3220C>T, p.Arg1074Ter (NM_001413187.1, NM_001413189.1, NM_001413191.1 and 6 more transcripts); c.2620C>T, p.Arg874Ter (NM_001413188.1, NM_001413193.1, NM_001413197.1); c.3214C>T, p.Arg1072Ter (NM_001413190.1); c.1795C>T, p.Arg599Ter (NM_001413196.1); short protein forms R1072*, R1074*, R599*, R874*.
Identifiers: ClinVar variation 3903263 (VCV003903263.1).

ClinVar aggregate classification (germline): Pathogenic (1 of 4 stars; one submission).

Submission:

GeneDx
Classification: Pathogenic. Last evaluated: 2024-12-13. Review status: criteria provided, single submitter. Criteria: GeneDx Variant Classification Process June 2021. Collection method: clinical testing. Allele origin: germline. Affected: yes.
Comment: Nonsense variant predicted to result in protein truncation or nonsense mediated decay in a gene for which loss of function is a known mechanism of disease; Not observed at significant frequency in large population cohorts (gnomAD); Has not been previously published as pathogenic or benign to our knowledge